The following is an entry in ClinVar:

NC_000004.11:g.(?_151509219)_(151514947_?)del

Gene: LRBA (LPS responsive beige-like anchor protein; minus strand). Cytogenetic location: 4q31.3.
Variant type: Deletion.
Identifiers: ClinVar variation 3246684 (VCV003246684.1).

ClinVar aggregate classification (germline): Likely pathogenic (1 of 4 stars; one submission).

Conditions:
Combined immunodeficiency due to LRBA deficiency. Also called: Common variable immunodeficiency 8, with autoimmunity. Identifiers: Orphanet 445018, MedGen C3553512, MONDO:0013863, OMIM 614700.

Submission:

Labcorp Genetics (formerly Invitae), Labcorp
Classification: Likely pathogenic for Combined immunodeficiency due to LRBA deficiency. Last evaluated: 2023-12-19. Review status: criteria provided, single submitter. Criteria: Invitae Variant Classification Sherloc (09022015). Collection method: clinical testing. Allele origin: unknown.
Comment: This variant results in the deletion of exon 40 and part of exon 41 (c.6080-2936_6344del) of the LRBA gene. It is expected to disrupt RNA splicing. Variants that disrupt the donor or acceptor splice site typically lead to a loss of protein function (PMID: 16199547), and loss-of-function variants in LRBA are known to be pathogenic (PMID: 26206937, 26768763). This variant has not been reported in the literature in individuals affected with LRBA-related conditions. In summary, the currently available evidence indicates that the variant is pathogenic, but additional data are needed to prove that conclusively. Therefore, this variant has been classified as Likely Pathogenic.

Literature cited by the submitters: PubMed 16199547; PubMed 26206937; PubMed 26768763.